The following is an entry in ClinVar:

NM_005732.4(RAD50):c.973T>C (p.Cys325Arg)

Gene: RAD50 (RAD50 double strand break repair protein; plus strand). Cytogenetic location: 5q31.1.
Variant type: single nucleotide variant.
Coding change: c.973T>C on transcript NM_005732.4 (MANE Select); coding-DNA position 973, T replaced by C.
Protein change: p.Cys325Arg; replaces cysteine 325 with arginine.
Molecular consequence: missense variant.
Genome position (GRCh38, 1-based): chr5:132,588,011, T>C. VCF-style: chr5-132588011-T-C. GRCh37 (hg19) VCF-style: chr5-131923703-T-C.
Other names: short protein forms C325R.
Identifiers: ClinVar variation 216633 (VCV000216633.17), dbSNP rs863224744, ClinGen allele CA337018.

ClinVar aggregate classification (germline): Uncertain significance. Review status: criteria provided, multiple submitters, no conflicts (2 of 4 stars). 5 submissions from 5 submitters: Uncertain significance (5). Last evaluated 2025-10-07.

Conditions:
Hereditary cancer-predisposing syndrome. Also called: Hereditary Cancer Syndrome; Hereditary neoplastic syndrome; Neoplastic Syndromes, Hereditary; Tumor predisposition. Identifiers: Orphanet 140162, MedGen C0027672, MeSH D009386, MONDO:0015356.
Nijmegen breakage syndrome-like disorder (NBSLD). Also called: MICROCEPHALY AND SPONTANEOUS CHROMOSOME INSTABILITY WITHOUT IMMUNODEFICIENCY; NBS-LIKE DISORDER; RAD50 DEFICIENCY. Identifiers: Orphanet 240760, MedGen C2751318, MONDO:0013118, OMIM 613078.

Allele frequency attached by ClinVar (database versions not stated): gnomAD exomes below 0.00001; TOPMed below 0.00001.
gnomAD v4.1: 1 of 1,611,752 alleles (0.000062%); highest among the groups gnomAD compares: Non-Finnish European, 0.000085%; no homozygotes.

Submissions (5):

Labcorp Genetics (formerly Invitae), Labcorp
Classification: Uncertain significance for Hereditary cancer-predisposing syndrome. Last evaluated: 2025-10-07. Review status: criteria provided, single submitter. Criteria: Invitae Variant Classification Sherloc (09022015). Collection method: clinical testing. Allele origin: germline.
Comment: This sequence change replaces cysteine, which is neutral and slightly polar, with arginine, which is basic and polar, at codon 325 of the RAD50 protein (p.Cys325Arg). This variant is not present in population databases (gnomAD no frequency). This variant has not been reported in the literature in individuals affected with RAD50-related conditions. ClinVar contains an entry for this variant (Variation ID: 216633). Invitae Evidence Modeling of protein sequence and biophysical properties (such as structural, functional, and spatial information, amino acid conservation, physicochemical variation, residue mobility, and thermodynamic stability) indicates that this missense variant is not expected to disrupt RAD50 protein function with a negative predictive value of 80%. In summary, the available evidence is currently insufficient to determine the role of this variant in disease. Therefore, it has been classified as a Variant of Uncertain Significance.

Ambry Genetics
Classification: Uncertain significance for Hereditary cancer-predisposing syndrome. Last evaluated: 2024-03-24. Review status: criteria provided, single submitter. Criteria: Ambry Variant Classification Scheme 2023. Collection method: clinical testing. Allele origin: germline.
Comment: The p.C325R variant (also known as c.973T>C), located in coding exon 7 of the RAD50 gene, results from a T to C substitution at nucleotide position 973. The cysteine at codon 325 is replaced by arginine, an amino acid with highly dissimilar properties. This amino acid position is well conserved in available vertebrate species. In addition, this alteration is predicted to be tolerated by in silico analysis. Since supporting evidence is limited at this time, the clinical significance of this alteration remains unclear.

Baylor Genetics
Classification: Uncertain significance for Nijmegen breakage syndrome-like disorder. Last evaluated: 2023-05-25. Review status: criteria provided, single submitter. Criteria: ACMG Guidelines, 2015. Collection method: clinical testing. Allele origin: unknown.

Sema4
Classification: Uncertain significance for Nijmegen breakage syndrome-like disorder. Last evaluated: 2022-01-03. Review status: criteria provided, single submitter. Criteria: Sema4 Curation Guidelines. Collection method: curation. Allele origin: germline.
Comment: The RAD50 c.973T>C (p.C325R) variant has not been reported in individuals with RAD50-related disease. It has been reported in 1 case and 1 control in a large dataset of 60,466 women with breast cancer and 53,461 controls (PMID: 33471991). This variant was not observed in the large and broad cohorts of the Genome Aggregation Database (PMID: 32461654). This variant has been reported in ClinVar (Variation ID: 216633). Functional studies have not been performed, and in silico predictions of the variant's effect on protein function are inconclusive. The evidence is insufficient to meet ACMG/AMP criteria for classifying the variant as benign or pathogenic. Thus, the clinical significance of this variant is currently uncertain.

Women's Health and Genetics/Laboratory Corporation of America, LabCorp
Classification: Uncertain significance. Last evaluated: 2021-07-19. Review status: criteria provided, single submitter. Criteria: LabCorp Variant Classification Summary - May 2015. Collection method: clinical testing. Allele origin: germline.
Comment: Variant summary: RAD50 c.973T>C (p.Cys325Arg) results in a non-conservative amino acid change in the encoded protein sequence. Three of five in-silico tools predict a benign effect of the variant on protein function. The variant was absent in 249942 control chromosomes. The available data on variant occurrences in the general population are insufficient to allow any conclusion about variant significance. To our knowledge, no occurrence of c.973T>C in individuals affected with Hereditary Breast And Ovarian Cancer Syndrome and no experimental evidence demonstrating its impact on protein function have been reported. Two clinical diagnostic laboratories have submitted clinical-significance assessments for this variant to ClinVar after 2014 without evidence for independent evaluation. All laboratories classified the variant as uncertain significance. Based on the evidence outlined above, the variant was classified as uncertain significance.

Literature cited by the submitters: PubMed 33471991 (cited by Sema4).